The following is an entry in ClinVar:

NM_017514.5(PLXNA3):c.2569C>T (p.Arg857Trp)

Gene: PLXNA3 (plexin A3; plus strand). Cytogenetic location: Xq28.
Variant type: single nucleotide variant.
Coding change: c.2569C>T on transcript NM_017514.5 (MANE Select); coding-DNA position 2569, C replaced by T.
Protein change: p.Arg857Trp; replaces arginine 857 with tryptophan.
Molecular consequence: missense variant.
Genome position (GRCh38, 1-based): chrX:154,465,971, C>T. VCF-style: chrX-154465971-C-T. GRCh37 (hg19) VCF-style: chrX-153694314-C-T.
Other names: short protein forms R857W.
Identifiers: ClinVar variation 4984825 (VCV004984825.1).

ClinVar aggregate classification (germline): Uncertain significance (1 of 4 stars; one submission).

Conditions:
PLXNA3-related disorder. Also called: PLXNA3-related condition.

Submission:

PreventionGenetics, part of Exact Sciences
Classification: Uncertain significance for PLXNA3-related condition. Last evaluated: 2026-07-08. Review status: criteria provided, single submitter. Criteria: ACMG Guidelines, 2015. Collection method: clinical testing. Allele origin: germline.
Comment: The PLXNA3 c.2569C>T variant is predicted to result in the amino acid substitution p.Arg857Trp. To our knowledge, this variant has not been reported in the literature. This variant is reported in 0.016% of alleles in individuals of African descent in gnomAD. At this time, the clinical significance of this variant is uncertain due to the absence of conclusive functional and genetic evidence.